The following is an entry in ClinVar:

ClinVar aggregate classification (germline): Conflicting classifications of pathogenicity. Review status: criteria provided, conflicting classifications (1 of 4 stars). 4 submissions from 4 submitters: Likely pathogenic (1); Uncertain significance (3). Last evaluated 2026-06-23.

Conditions:
FGFR3-related chondrodysplasia. Identifiers: Orphanet 93420, MedGen C5681604, MONDO:0019685.

Allele frequency attached by ClinVar (database versions not stated): gnomAD 0.00001.
gnomAD v4.1: 21 of 1,606,784 alleles (0.0013%); highest among the groups gnomAD compares: Non-Finnish European, 0.0014%; no homozygotes.

Submissions (4):

Genomenon, Inc
Classification: Likely pathogenic for FGFR3-related chondrodysplasia. Last evaluated: 2026-06-23. Review status: criteria provided, single submitter. Criteria: Genomenon Sequence Variant Interpretation Standards - Updated. Collection method: curation. Allele origin: germline. Affected: yes.
Comment: FGFR3 p.Ser249Phe (c.746C>T) is a missense variant that changes the amino acid at codon 249 from Serine to Phenylalanine. This variant has been observed in at least one proband with an FGFR3-related disorder (PMID:36964972). A de novo occurrence of this variant has been observed in at least one affected individual (PMID:36964972). This variant is located in a mutational hotspot and/or important functional domain. It is absent or not present at a significant frequency in gnomAD. In silico models predict that this variant is possibly or probably damaging. In conclusion, we classify FGFR3 p.Ser249Phe (c.746C>T) as a likely pathogenic variant.

CeGaT Center for Human Genetics Tuebingen
Classification: Uncertain significance. Last evaluated: 2026-04-01. Review status: criteria provided, single submitter. Criteria: CeGaT Center For Human Genetics Tuebingen Variant Classification Criteria Version 2. Collection method: clinical testing. Allele origin: germline. Affected: yes. Observed: 1 variant allele.
Comment: FGFR3: PM1, PM5, PP3, BS2

Labcorp Genetics (formerly Invitae), Labcorp
Classification: Uncertain significance. Last evaluated: 2024-10-12. Review status: criteria provided, single submitter. Criteria: Invitae Variant Classification Sherloc (09022015). Collection method: clinical testing. Allele origin: germline.
Comment: This sequence change replaces serine, which is neutral and polar, with phenylalanine, which is neutral and non-polar, at codon 249 of the FGFR3 protein (p.Ser249Phe). This variant is present in population databases (rs121913483, gnomAD 0.01%). This missense change has been observed in individual(s) with clinical features of FGFR3-related conditions (PMID: 34194672, 36964972). ClinVar contains an entry for this variant (Variation ID: 1680028). Invitae Evidence Modeling of protein sequence and biophysical properties (such as structural, functional, and spatial information, amino acid conservation, physicochemical variation, residue mobility, and thermodynamic stability) has been performed for this missense variant. However, the output from this modeling did not meet the statistical confidence thresholds required to predict the impact of this variant on FGFR3 protein function. This variant disrupts the p.Ser249 amino acid residue in FGFR3. Other variant(s) that disrupt this residue have been determined to be pathogenic (PMID: 8589699, 11038465, 17384684). This suggests that this residue is clinically significant, and that variants that disrupt this residue are likely to be disease-causing. In summary, the available evidence is currently insufficient to determine the role of this variant in disease. Therefore, it has been classified as a Variant of Uncertain Significance.

Blueprint Genetics
Classification: Uncertain significance. Last evaluated: 2022-09-06. Review status: criteria provided, single submitter. Criteria: ACMG Guidelines, 2015. Collection method: clinical testing. Allele origin: germline.

Literature cited by the submitters: PubMed 36964972 (cited by Genomenon, Inc and Labcorp Genetics (formerly Invitae), Labcorp); PubMed 34194672 (cited by Genomenon, Inc and Labcorp Genetics (formerly Invitae), Labcorp); PubMed 41062690 (cited by Genomenon, Inc); PubMed 8589699 (cited by Labcorp Genetics (formerly Invitae), Labcorp); PubMed 11038465 (cited by Labcorp Genetics (formerly Invitae), Labcorp); PubMed 17384684 (cited by Labcorp Genetics (formerly Invitae), Labcorp).

NM_000142.5(FGFR3):c.746C>T (p.Ser249Phe)

Gene: FGFR3 (fibroblast growth factor receptor 3; plus strand). Cytogenetic location: 4p16.3.
Variant type: single nucleotide variant.
Coding change: c.746C>T on transcript NM_000142.5 (MANE Select); coding-DNA position 746, C replaced by T.
Protein change: p.Ser249Phe; replaces serine 249 with phenylalanine.
Molecular consequence: missense variant. On other transcripts: non-coding transcript variant (1).
Genome position (GRCh38, 1-based): chr4:1,801,841, C>T. VCF-style: chr4-1801841-C-T. GRCh37 (hg19) VCF-style: chr4-1803568-C-T.
Other names: c.746C>T, p.Ser249Phe (NM_001163213.2, NM_001354809.2, NM_001354810.2 and 1 more transcripts); short protein forms S249F.
Identifiers: ClinVar variation 1680028 (VCV001680028.12), dbSNP rs121913483, ClinGen allele CA2809971.